The following is an entry in ClinVar:

NM_001105206.3(LAMA4):c.398C>A (p.Pro133His)

Gene: LAMA4 (laminin subunit alpha 4; minus strand). Cytogenetic location: 6q21.
Variant type: single nucleotide variant.
Coding change: c.398C>A on transcript NM_001105206.3 (MANE Select); coding-DNA position 398, C replaced by A.
Protein change: p.Pro133His; replaces proline 133 with histidine.
Molecular consequence: missense variant.
Genome position (GRCh38, 1-based): chr6:112,207,045, G>T on the plus strand (C>A on the coding strand, the complement: LAMA4 is on the minus strand). VCF-style: chr6-112207045-G-T. GRCh37 (hg19) VCF-style: chr6-112528246-G-T.
Other names: c.398C>A, p.Pro133His (NM_001105207.3, NM_002290.5); short protein forms P133H.
Identifiers: ClinVar variation 1717053 (VCV001717053.5), dbSNP rs876657842, ClinGen allele CA365380824.

ClinVar aggregate classification (germline): Uncertain significance (1 of 4 stars; one submission).

Conditions:
Dilated cardiomyopathy 1JJ (CMD1JJ). Identifiers: Orphanet 154, MedGen C3808935, MONDO:0014095, OMIM 615235.

Submission:

Labcorp Genetics (formerly Invitae), Labcorp
Classification: Uncertain significance for Dilated cardiomyopathy 1JJ. Last evaluated: 2022-08-20. Review status: criteria provided, single submitter. Criteria: Invitae Variant Classification Sherloc (09022015). Collection method: clinical testing. Allele origin: germline.
Comment: This variant has not been reported in the literature in individuals affected with LAMA4-related conditions. In summary, the available evidence is currently insufficient to determine the role of this variant in disease. Therefore, it has been classified as a Variant of Uncertain Significance. Algorithms developed to predict the effect of missense changes on protein structure and function are either unavailable or do not agree on the potential impact of this missense change (SIFT: "Deleterious"; PolyPhen-2: "Probably Damaging"; Align-GVGD: "Class C0"). This variant is not present in population databases (gnomAD no frequency). This sequence change replaces proline, which is neutral and non-polar, with histidine, which is basic and polar, at codon 133 of the LAMA4 protein (p.Pro133His).